The following is an entry in ClinVar:

ClinVar aggregate classification (germline): Pathogenic (1 of 4 stars; one submission).

Conditions:
Cardiovascular phenotype. Identifiers: MedGen CN230736.

Submission:

Ambry Genetics
Classification: Pathogenic for Cardiovascular phenotype. Last evaluated: 2020-09-17. Review status: criteria provided, single submitter. Criteria: Ambry Variant Classification Scheme 2023. Collection method: clinical testing. Allele origin: germline.
Comment: The c.561dupG pathogenic mutation, located in coding exon 3 of the LMNA gene, results from a duplication of G at nucleotide position 561, causing a translational frameshift with a predicted alternate stop codon (p.L188Afs*7). This alteration is expected to result in loss of function by premature protein truncation or nonsense-mediated mRNA decay. As such, this alteration is interpreted as a disease-causing mutation.

NM_170707.4(LMNA):c.561dup (p.Leu188fs)

Gene: LMNA (lamin A/C; plus strand). Cytogenetic location: 1q22.
Variant type: Duplication.
Coding change: c.561dup on transcript NM_170707.4 (MANE Select); coding-DNA position 561, one base duplicated (G; older notation c.561dupG).
Protein change: p.Leu188fs; shifts the reading frame from leucine 188.
Molecular consequence: frameshift variant.
Genome position (GRCh38, 1-based): chr1:156,134,450, G duplicated. VCF-style (leftmost placement, unchanged base first): chr1-156134449-T-TG. GRCh37 (hg19) VCF-style: chr1-156104240-T-TG.
Other names: c.225dup, p.Leu76fs (NM_001257374.3); c.318dup, p.Leu107fs (NM_001282624.2); c.561dup, p.Leu188fs (NM_001282625.2, NM_001282626.2, NM_005572.4 and 1 more transcripts); c.561dup, p.Leu188Alafs (NM_001406983.1, NM_001406984.1, NM_001406985.1 and 2 more transcripts); c.318dup, p.Leu107Alafs (NM_001406986.1, NM_001406987.1); c.264dup, p.Leu89Alafs (NM_001406988.1); c.225dup, p.Leu76Alafs (NM_001406989.1, NM_001406998.1); c.3dup, p.Leu2Alafs (NM_001406990.1, NM_001406993.1, NM_001406995.1 and 4 more transcripts); and 2 more; short protein forms L76fs, L107fs, L188fs.
Identifiers: ClinVar variation 1748675 (VCV001748675.2), dbSNP rs2527967028, ClinGen allele CA2580061164.